The following is an entry in ClinVar:

NM_020937.4(FANCM):c.3348T>A (p.His1116Gln)

Gene: FANCM (FA complementation group M; plus strand). Cytogenetic location: 14q21.2.
Variant type: single nucleotide variant.
Coding change: c.3348T>A on transcript NM_020937.4 (MANE Select); coding-DNA position 3348, T replaced by A.
Protein change: p.His1116Gln; replaces histidine 1116 with glutamine.
Molecular consequence: missense variant.
Genome position (GRCh38, 1-based): chr14:45,176,102, T>A. VCF-style: chr14-45176102-T-A. GRCh37 (hg19) VCF-style: chr14-45645305-T-A.
Other names: c.3270T>A, p.His1090Gln (NM_001308133.2); short protein forms H1116Q, H1090Q.
Identifiers: ClinVar variation 3848597 (VCV003848597.1).

ClinVar aggregate classification (germline): Uncertain significance (1 of 4 stars; one submission).

Conditions:
Inborn genetic diseases. Identifiers: MedGen C0950123, MeSH D030342.

gnomAD v4.1: 4 of 1,614,038 alleles (0.00025%); highest among the groups gnomAD compares: African/African-American, 0.0013%; no homozygotes.

Submission:

Ambry Genetics
Classification: Uncertain significance for Inborn genetic diseases. Last evaluated: 2025-01-08. Review status: criteria provided, single submitter. Criteria: Ambry Variant Classification Scheme 2023. Collection method: clinical testing. Allele origin: germline.
Comment: The p.H1116Q variant (also known as c.3348T>A), located in coding exon 14 of the FANCM gene, results from a T to A substitution at nucleotide position 3348. The histidine at codon 1116 is replaced by glutamine, an amino acid with highly similar properties. This amino acid position is conserved. In addition, this alteration is predicted to be tolerated by in silico analysis. Based on the available evidence, the clinical significance of this variant remains unclear.